The following is an entry in ClinVar:

ClinVar aggregate classification (germline): Uncertain significance. Review status: criteria provided, multiple submitters, no conflicts (2 of 4 stars). 2 submissions from 2 submitters: Uncertain significance (2). Last evaluated 2025-02-10.

Conditions:
Hereditary pulmonary alveolar proteinosis. Also called: Pulmonary surfactant metabolism dysfunction. Identifiers: Orphanet 264675, MedGen C3711368, MONDO:0012580.

Allele frequency attached by ClinVar (database versions not stated): TOPMed below 0.00001; gnomAD 0.00001; ExAC 0.00002.
gnomAD v4.1: 14 of 1,614,054 alleles (0.00087%); highest among the groups gnomAD compares: South Asian, 0.0033%; no homozygotes.

Submissions (2):

Labcorp Genetics (formerly Invitae), Labcorp
Classification: Uncertain significance. Last evaluated: 2025-02-10. Review status: criteria provided, single submitter. Criteria: Invitae Variant Classification Sherloc (09022015). Collection method: clinical testing. Allele origin: germline.
Comment: This sequence change replaces arginine, which is basic and polar, with histidine, which is basic and polar, at codon 295 of the ABCA3 protein (p.Arg295His). This variant is present in population databases (rs747005353, gnomAD 0.003%). This variant has not been reported in the literature in individuals affected with ABCA3-related conditions. ClinVar contains an entry for this variant (Variation ID: 2451662). Invitae Evidence Modeling of protein sequence and biophysical properties (such as structural, functional, and spatial information, amino acid conservation, physicochemical variation, residue mobility, and thermodynamic stability) indicates that this missense variant is not expected to disrupt ABCA3 protein function with a negative predictive value of 80%. In summary, the available evidence is currently insufficient to determine the role of this variant in disease. Therefore, it has been classified as a Variant of Uncertain Significance.

Ambry Genetics
Classification: Uncertain significance for Hereditary pulmonary alveolar proteinosis. Last evaluated: 2025-02-09. Review status: criteria provided, single submitter. Criteria: Ambry Variant Classification Scheme 2023. Collection method: clinical testing. Allele origin: germline.

NM_001089.3(ABCA3):c.884G>A (p.Arg295His)

Gene: ABCA3 (ATP binding cassette subfamily A member 3; minus strand). Cytogenetic location: 16p13.3.
Variant type: single nucleotide variant.
Coding change: c.884G>A on transcript NM_001089.3 (MANE Select); coding-DNA position 884, G replaced by A.
Protein change: p.Arg295His; replaces arginine 295 with histidine.
Molecular consequence: missense variant.
Genome position (GRCh38, 1-based): chr16:2,317,754, C>T on the plus strand (G>A on the coding strand, the complement: ABCA3 is on the minus strand). VCF-style: chr16-2317754-C-T. GRCh37 (hg19) VCF-style: chr16-2367755-C-T.
Other names: short protein forms R295H.
Identifiers: ClinVar variation 2451662 (VCV002451662.4), dbSNP rs747005353, ClinGen allele CA7841457.